The following is an entry in ClinVar:

NM_001999.4(FBN2):c.827-263G>T

Gene: FBN2 (fibrillin 2; minus strand). Cytogenetic location: 5q23.3.
Variant type: single nucleotide variant.
Coding change: c.827-263G>T on transcript NM_001999.4 (MANE Select); 263 bases into the intron before coding-DNA position 827, G replaced by T.
Molecular consequence: intron variant.
Genome position (GRCh38, 1-based): chr5:128,446,869, C>A on the plus strand (G>T on the coding strand, the complement: FBN2 is on the minus strand). VCF-style: chr5-128446869-C-A. GRCh37 (hg19) VCF-style: chr5-127782562-C-A.
Identifiers: ClinVar variation 669608 (VCV000669608.1), dbSNP rs141194324, ClinGen allele CA12087117.
Genomic context (GRCh38, chr5:128,446,869, plus strand): 5'-TCTTAATTTTCCTTTTAGAATTTTGTTTTTAAGATCCATCCTGTTGTGGGAAGTCAGGGA[C>A]CCCGAACGGAGGGACCGGCTGAAGCCATGGCAGAAGCATGGAAATTGTGAAGATTTCATG-3'

ClinVar aggregate classification (germline): Likely benign (1 of 4 stars; one submission).

Allele frequency attached by ClinVar (database versions not stated): 1000 Genomes Project 0.00978; gnomAD 0.00985 and 0.01071; 1000 Genomes Project 30x 0.01109; TOPMed 0.01132.
gnomAD v4.1: 1,495 of 152,146 alleles (0.98%); highest among the groups gnomAD compares: African/African-American, 3.4%; 21 homozygotes.

Submission:

GeneDx
Classification: Likely benign. Last evaluated: 2018-06-14. Review status: criteria provided, single submitter. Criteria: GeneDx Variant Classification (06012015). Collection method: clinical testing. Allele origin: germline. Affected: yes.
Comment: This variant is considered likely benign or benign based on one or more of the following criteria: it is a conservative change, it occurs at a poorly conserved position in the protein, it is predicted to be benign by multiple in silico algorithms, and/or has population frequency not consistent with disease.